The following is an entry in ClinVar:

ClinVar aggregate classification (germline): Likely benign (1 of 4 stars; one submission).

Allele frequency attached by ClinVar (database versions not stated): ExAC 0.00031; ESP Exome Variant Server 0.00092; TOPMed 0.00102; gnomAD 0.00103; 1000 Genomes Project 0.00140; 1000 Genomes Project 30x 0.00156.
gnomAD v4.1: 259 of 1,505,844 alleles (0.017%); highest among the groups gnomAD compares: African/African-American, 0.31%; 1 homozygote.

Submission:

CeGaT Center for Human Genetics Tuebingen
Classification: Likely benign. Last evaluated: 2022-05-01. Review status: criteria provided, single submitter. Criteria: CeGaT Center For Human Genetics Tuebingen Variant Classification Criteria Version 2. Collection method: clinical testing. Allele origin: germline. Affected: yes. Observed: 1 variant allele.
Comment: HS3ST6: BP4, BP7

NM_001009606.4(HS3ST6):c.516G>A (p.Pro172=)

Gene: HS3ST6 (heparan sulfate-glucosamine 3-sulfotransferase 6; minus strand). Cytogenetic location: 16p13.3.
Variant type: single nucleotide variant.
Coding change: c.516G>A on transcript NM_001009606.4 (MANE Select); coding-DNA position 516, G replaced by A.
Protein change: p.Pro172=; no amino-acid change (proline 172 retained).
Molecular consequence: synonymous variant.
Genome position (GRCh38, 1-based): chr16:1,912,103, C>T on the plus strand (G>A on the coding strand, the complement: HS3ST6 is on the minus strand). VCF-style: chr16-1912103-C-T. GRCh37 (hg19) VCF-style: chr16-1962104-C-T.
Identifiers: ClinVar variation 2645951 (VCV002645951.24), dbSNP rs199582508, ClinGen allele CA7822205.
Genomic context (GRCh38, chr16:1,912,103, plus strand): 5'-GGCGTAGTCGGAGATGGCCCGGGTCACGGGGTTCCGCACCACCACGATCAGCTTCGTGTC[C>T]GGGGACATGGCGTGGATGCGGCGGGGGGCCTCTCGCGTCACGAAGTAGCTGGGGGTCTTC-3'
Protein context (NP_001009606.3, residues 162-182): EAPRRIHAMS[Pro172=]DTKLIVVVRN